The following is an entry in ClinVar:

ClinVar aggregate classification (germline): Uncertain significance (1 of 4 stars; one submission).

Conditions:
Episodic kinesigenic dyskinesia (EKD). Also called: Paroxysmal kinesigenic dyskinesia. Identifiers: Orphanet 98809, MedGen C1868682, MONDO:0044202.

gnomAD v4.1: 6 of 1,607,850 alleles (0.00037%); highest among the groups gnomAD compares: Non-Finnish European, 0.00051%; no homozygotes.

Submission:

Labcorp Genetics (formerly Invitae), Labcorp
Classification: Uncertain significance for Episodic kinesigenic dyskinesia. Last evaluated: 2023-07-10. Review status: criteria provided, single submitter. Criteria: Invitae Variant Classification Sherloc (09022015). Collection method: clinical testing. Allele origin: germline.
Comment: This variant has not been reported in the literature in individuals affected with PRRT2-related conditions. This variant is not present in population databases (gnomAD no frequency). This sequence change replaces valine, which is neutral and non-polar, with leucine, which is neutral and non-polar, at codon 303 of the PRRT2 protein (p.Val303Leu). Advanced modeling of protein sequence and biophysical properties (such as structural, functional, and spatial information, amino acid conservation, physicochemical variation, residue mobility, and thermodynamic stability) performed at Invitae indicates that this missense variant is not expected to disrupt PRRT2 protein function. In summary, the available evidence is currently insufficient to determine the role of this variant in disease. Therefore, it has been classified as a Variant of Uncertain Significance.

NM_145239.3(PRRT2):c.907G>C (p.Val303Leu)

Genes: MVP-DT (MVP divergent transcript; minus strand), PRRT2 (proline rich transmembrane protein 2; plus strand). Cytogenetic location: 16p11.2.
Variant type: single nucleotide variant.
Coding change: c.907G>C on transcript NM_145239.3 (MANE Select); coding-DNA position 907, G replaced by C.
Protein change: p.Val303Leu; replaces valine 303 with leucine.
Molecular consequence: missense variant. On other transcripts: 3 prime UTR variant (1).
Genome position (GRCh38, 1-based): chr16:29,814,360, G>C. VCF-style: chr16-29814360-G-C. GRCh37 (hg19) VCF-style: chr16-29825681-G-C.
Other names: c.907G>C, p.Val303Leu (NM_001256442.2); c.*406G>C (NM_001256443.2); short protein forms V303L.
Identifiers: ClinVar variation 2740312 (VCV002740312.3), dbSNP rs774683543, ClinGen allele CA395480550.